The following is an entry in ClinVar:

ClinVar aggregate classification (germline): Uncertain significance. Review status: criteria provided, multiple submitters, no conflicts (2 of 4 stars). 3 submissions from 3 submitters: Uncertain significance (3). Last evaluated 2025-12-08.

Conditions:
Inborn genetic diseases. Identifiers: MedGen C0950123, MeSH D030342.

Allele frequency attached by ClinVar (database versions not stated): gnomAD exomes 0.00004 and 0.00008; ExAC 0.00012; 1000 Genomes Project 30x 0.00016; 1000 Genomes Project 0.00020; gnomAD 0.00037 and 0.00040; ESP Exome Variant Server 0.00071; TOPMed 0.00040.
gnomAD v4.1: 113 of 1,610,530 alleles (0.007%); highest among the groups gnomAD compares: African/African-American, 0.13%; no homozygotes.

Submissions (3):

Ambry Genetics
Classification: Uncertain significance for Inborn genetic diseases. Last evaluated: 2025-12-08. Review status: criteria provided, single submitter. Criteria: Ambry Variant Classification Scheme 2023. Collection method: clinical testing. Allele origin: germline.

Labcorp Genetics (formerly Invitae), Labcorp
Classification: Uncertain significance. Last evaluated: 2023-07-07. Review status: criteria provided, single submitter. Criteria: Invitae Variant Classification Sherloc (09022015). Collection method: clinical testing. Allele origin: germline.
Comment: This sequence change replaces threonine, which is neutral and polar, with serine, which is neutral and polar, at codon 104 of the GPX4 protein (p.Thr104Ser). This variant is present in population databases (rs201903291, gnomAD 0.1%). This variant has not been reported in the literature in individuals affected with GPX4-related conditions. ClinVar contains an entry for this variant (Variation ID: 1444732). Experimental studies and prediction algorithms are not available or were not evaluated, and the functional significance of this variant is currently unknown. In summary, the available evidence is currently insufficient to determine the role of this variant in disease. Therefore, it has been classified as a Variant of Uncertain Significance.

Breakthrough Genomics
Classification: Uncertain significance. Review status: criteria provided, single submitter. Criteria: ACMG Guidelines, 2015. Collection method: not provided. Allele origin: germline. Inheritance: Autosomal recessive inheritance. Affected: yes.

NM_002085.5(GPX4):c.200C>G (p.Thr67Ser)

Gene: GPX4 (glutathione peroxidase 4; plus strand). Cytogenetic location: 19p13.3.
Variant type: single nucleotide variant.
Coding change: c.200C>G on transcript NM_002085.5 (MANE Select); coding-DNA position 200, C replaced by G.
Protein change: p.Thr67Ser; replaces threonine 67 with serine.
Molecular consequence: missense variant.
Genome position (GRCh38, 1-based): chr19:1,105,386, C>G. VCF-style: chr19-1105386-C-G. GRCh37 (hg19) VCF-style: chr19-1105385-C-G.
Other names: c.200C>G, p.Thr67Ser (NM_001039847.3); c.311C>G, p.Thr104Ser (NM_001039848.4); c.119C>G, p.Thr40Ser (NM_001367832.1); c.311C>G (NM_001039848.1); short protein forms T104S, T40S, T67S.
Identifiers: ClinVar variation 1444732 (VCV001444732.7), dbSNP rs201903291, ClinGen allele CA9037237.
Genomic context (GRCh38, chr19:1,105,386, plus strand): 5'-GGGCCGTGTTCTTCTGCGCTGACGCCGCCGATCCTCGCAGGGGCTTCGTGTGCATCGTCA[C>G]CAACGTGGCCTCCCAGTGAGGCAAGACCGAAGTAAACTACACTCAGCTCGTCGACCTGCA-3'
Protein context (NP_002076.2, residues 57-77): DKYRGFVCIV[Thr67Ser]NVASQUGKTE